The following is an entry in ClinVar:

ClinVar aggregate classification (germline): Uncertain significance (1 of 4 stars; one submission).

Conditions:
Intellectual developmental disorder 61. Also called: MENTAL RETARDATION, AUTOSOMAL DOMINANT 61; INTELLECTUAL DEVELOPMENTAL DISORDER, AUTOSOMAL DOMINANT 61. Identifiers: MedGen C5231400, MONDO:0032485, OMIM 618009.

Submission:

Juno Genomics, Hangzhou Juno Genomics, Inc
Classification: Uncertain significance for Intellectual developmental disorder 61. Review status: criteria provided, single submitter. Criteria: ACMG Guidelines, 2015. Collection method: clinical testing. Allele origin: germline.
Comment: Absent from controls (or at extremely low frequency if recessive) in Genome Aggregation Database.;Missense variant in a gene that has a low rate of benign missense variation.;Multiple lines of computational evidence support a deleterious effect on the gene or gene product.

NM_005121.3(MED13):c.721C>A (p.Pro241Thr)

Gene: MED13 (mediator complex subunit 13; minus strand). Cytogenetic location: 17q23.2.
Variant type: single nucleotide variant.
Coding change: c.721C>A on transcript NM_005121.3 (MANE Select); coding-DNA position 721, C replaced by A.
Protein change: p.Pro241Thr; replaces proline 241 with threonine.
Molecular consequence: missense variant.
Genome position (GRCh38, 1-based): chr17:62,033,880, G>T on the plus strand (C>A on the coding strand, the complement: MED13 is on the minus strand). VCF-style: chr17-62033880-G-T. GRCh37 (hg19) VCF-style: chr17-60111241-G-T.
Other names: short protein forms P241T.
Identifiers: ClinVar variation 5019735 (VCV005019735.2).
Genomic context (GRCh38, chr17:62,033,880, plus strand): 5'-CTTCCCAATCCATATCTTCCTGTTTTTCTTCAGACATCTCCTTCAAGCAACATGAGATAG[G>T]ATAGAACTGTTTCCATTCACCAATTAATTTTTTTGTAGCTGAATCAGACATCTTGAATGC-3'
Protein context (NP_005112.2, residues 231-251): KLIGEWKQFY[Pro241Thr]ISCCLKEMSE